The following is an entry in ClinVar:

NM_194248.3(OTOF):c.5782C>T (p.Arg1928Cys)

Gene: OTOF (otoferlin; minus strand). Cytogenetic location: 2p23.3.
Variant type: single nucleotide variant.
Coding change: c.5782C>T on transcript NM_194248.3 (MANE Select); coding-DNA position 5782, C replaced by T.
Protein change: p.Arg1928Cys; replaces arginine 1928 with cysteine.
Molecular consequence: missense variant.
Genome position (GRCh38, 1-based): chr2:26,460,678, G>A on the plus strand (C>T on the coding strand, the complement: OTOF is on the minus strand). VCF-style: chr2-26460678-G-A. GRCh37 (hg19) VCF-style: chr2-26683546-G-A.
Other names: c.5782C>T, p.Arg1928Cys (NM_001287489.2); c.3481C>T, p.Arg1161Cys (NM_004802.4, NM_194323.3); c.3712C>T, p.Arg1238Cys (NM_194322.3); short protein forms R1161C, R1238C, R1928C.
Identifiers: ClinVar variation 2683884 (VCV002683884.2), dbSNP rs898393464, ClinGen allele CA44406693.

ClinVar aggregate classification (germline): Likely pathogenic. Review status: criteria provided, single submitter (1 of 4 stars). 2 submissions from 2 submitters: Likely pathogenic (1). 1 of the submissions does not count toward it. Last evaluated 2023-12-22.

Conditions:
Autosomal recessive nonsyndromic hearing loss 9. Also called: NEUROSENSORY NONSYNDROMIC RECESSIVE DEAFNESS 9; OTOF-Related Hearing Loss; Deafness, autosomal recessive 9; AUDITORY NEUROPATHY, AUTOSOMAL RECESSIVE, 1, TEMPERATURE-SENSITIVE. Identifiers: Orphanet 90636, MedGen C1832828, MONDO:0010986, OMIM 601071.
Auditory neuropathy. Identifiers: MedGen C1852271, MONDO:0021944.

Allele frequency attached by ClinVar (database versions not stated): gnomAD exomes 0.00001.
gnomAD v4.1: 8 of 1,614,082 alleles (0.0005%); highest among the groups gnomAD compares: African/African-American, 0.0013%; no homozygotes.

Submissions (2):

WangQJ Lab, Chinese People's Liberation Army General Hospital
Classification: Likely pathogenic for Auditory neuropathy. Last evaluated: 2023-12-22. Review status: criteria provided, single submitter. Criteria: Submitter's publication. Collection method: research. Allele origin: germline. Affected: yes. Observed: 1 variant allele.

Diagnosis and Treatment Center of Genetic Hearing Loss, Eye & ENT Hospital of Fudan University
Classification: Likely pathogenic for Autosomal recessive nonsyndromic hearing loss 9. Last evaluated: 2026-02-04. Review status: no assertion criteria provided. Collection method: clinical testing. Allele origin: germline. Inheritance: Autosomal recessive inheritance. Affected: yes. Not counted in ClinVar's aggregate classification.
Comment: The c.5782C>T missense variant in OTOF is absent from population databases (PM2_Supporting). It has been reported in two probands with pathogenic/likely pathogenic variants (c.[5782C>T];[1090_1100del], c.5782C>T(;)1702delC) (PM3; PMID: 35982127) and segregates in two affected family members (PP1). The REVEL score is 0.822 (PP3_Moderate).

Literature cited by the submitters: PubMed 35982127 (cited by Diagnosis and Treatment Center of Genetic Hearing Loss, Eye & ENT Hospital of Fudan University).